The following is an entry in ClinVar:

NM_004260.4(RECQL4):c.764G>C (p.Ser255Thr)

Gene: RECQL4 (RecQ like helicase 4; minus strand). Cytogenetic location: 8q24.3.
Variant type: single nucleotide variant.
Coding change: c.764G>C on transcript NM_004260.4 (MANE Select); coding-DNA position 764, G replaced by C.
Protein change: p.Ser255Thr; replaces serine 255 with threonine.
Molecular consequence: missense variant. On other transcripts: 5 prime UTR variant (17), non-coding transcript variant (3).
Genome position (GRCh38, 1-based): chr8:144,516,355, C>G on the plus strand (G>C on the coding strand, the complement: RECQL4 is on the minus strand). VCF-style: chr8-144516355-C-G. GRCh37 (hg19) VCF-style: chr8-145741739-C-G.
Other names: c.764G>C, p.Ser255Thr (NM_001413039.1, NM_001413017.1, NM_001413018.1 and 4 more transcripts); c.-308G>C (NM_001413040.1, NM_001413042.1, NM_001413028.1 and 7 more transcripts); c.-370G>C (NM_001413041.1, NM_001413027.1, NM_001413030.1 and 2 more transcripts); c.-577G>C (NM_001413043.1); c.635G>C, p.Ser212Thr (NM_001413025.1); c.413G>C, p.Ser138Thr (NM_001413029.1); c.-212G>C (NM_001413034.1); short protein forms S212T, S138T, S255T.
Identifiers: ClinVar variation 5028084 (VCV005028084.1).

ClinVar aggregate classification (germline): Uncertain significance (1 of 4 stars; one submission).

Conditions:
Inborn genetic diseases. Identifiers: MedGen C0950123, MeSH D030342.

Submission:

Ambry Genetics
Classification: Uncertain significance for Inborn genetic diseases. Last evaluated: 2026-07-15. Review status: criteria provided, single submitter. Criteria: Ambry Variant Classification Scheme 2023. Collection method: clinical testing. Allele origin: germline.
Comment: The p.S255T variant (also known as c.764G>C), located in coding exon 5 of the RECQL4 gene, results from a G to C substitution at nucleotide position 764. The serine at codon 255 is replaced by threonine, an amino acid with similar properties. This amino acid position is conserved. In addition, this alteration is predicted to be tolerated by in silico analysis. Based on the available evidence, the clinical significance of this variant remains unclear.